The following is an entry in ClinVar:

ClinVar aggregate classification (germline): Benign/Likely benign. Review status: criteria provided, multiple submitters, no conflicts (2 of 4 stars). 7 submissions from 7 submitters: Benign (5); Likely benign (2). Last evaluated 2026-02-02.

Conditions:
Epilepsy, progressive myoclonic, 1B. Also called: PME. Identifiers: Orphanet 308, MedGen C2676254, MONDO:0012904, OMIM 612437.

Allele frequency attached by ClinVar (database versions not stated): gnomAD 0.00149 and 0.00194; TOPMed 0.00161; ESP Exome Variant Server 0.00192; gnomAD exomes 0.00283 and 0.00353; 1000 Genomes Project 30x 0.00328; 1000 Genomes Project 0.00379; ExAC 0.00382.
gnomAD v4.1: 4,420 of 1,613,942 alleles (0.27%); highest among the groups gnomAD compares: South Asian, 1.6%; 35 homozygotes.

Submissions (7):

Labcorp Genetics (formerly Invitae), Labcorp
Classification: Benign for Epilepsy, progressive myoclonic, 1B. Last evaluated: 2026-02-02. Review status: criteria provided, single submitter. Criteria: Invitae Variant Classification Sherloc (09022015). Collection method: clinical testing. Allele origin: germline.

CeGaT Center for Human Genetics Tuebingen
Classification: Benign. Last evaluated: 2024-07-01. Review status: criteria provided, single submitter. Criteria: CeGaT Center For Human Genetics Tuebingen Variant Classification Criteria Version 2. Collection method: clinical testing. Allele origin: germline. Affected: yes. Observed: 7 variant alleles.
Comment: PRICKLE1: BP4, BP7, BS1, BS2

Eurofins Ntd Llc (ga)
Classification: Benign. Last evaluated: 2017-12-04. Review status: criteria provided, single submitter. Criteria: EGL Classification Definitions 2015. Collection method: clinical testing. Allele origin: germline. Observed: 2 variant alleles, 2 heterozygotes.

Athena Diagnostics
Classification: Benign. Last evaluated: 2017-05-08. Review status: criteria provided, single submitter. Criteria: Athena Diagnostics Criteria. Collection method: clinical testing. Allele origin: germline.

Ambry Genetics
Classification: Likely benign. Last evaluated: 2016-06-14. Review status: criteria provided, single submitter. Criteria: Ambry Variant Classification Scheme 2023. Collection method: clinical testing. Allele origin: germline.

GeneDx
Classification: Benign. Last evaluated: 2013-11-01. Review status: criteria provided, single submitter. Criteria: GeneDx Variant Classification (06012015). Collection method: clinical testing. Allele origin: germline. Affected: yes.
Comment: This variant is considered likely benign or benign based on one or more of the following criteria: it is a conservative change, it occurs at a poorly conserved position in the protein, it is predicted to be benign by multiple in silico algorithms, and/or has population frequency not consistent with disease.

Breakthrough Genomics
Classification: Likely benign. Review status: criteria provided, single submitter. Criteria: ACMG Guidelines, 2015. Collection method: not provided. Allele origin: germline. Inheritance: Autosomal recessive inheritance. Affected: yes.

NM_153026.3(PRICKLE1):c.177C>T (p.Tyr59=)

Gene: PRICKLE1 (prickle planar cell polarity protein 1; minus strand). Cytogenetic location: 12q12.
Variant type: single nucleotide variant.
Coding change: c.177C>T on transcript NM_153026.3 (MANE Select); coding-DNA position 177, C replaced by T.
Protein change: p.Tyr59=; no amino-acid change (tyrosine 59 retained).
Molecular consequence: synonymous variant.
Genome position (GRCh38, 1-based): chr12:42,470,315, G>A on the plus strand (C>T on the coding strand, the complement: PRICKLE1 is on the minus strand). VCF-style: chr12-42470315-G-A. GRCh37 (hg19) VCF-style: chr12-42864117-G-A.
Other names: p.Y59Y:TAC>TAT; c.177C>T, p.Tyr59= (NM_001144881.2, NM_001144882.2, NM_001144883.2).
Identifiers: ClinVar variation 138803 (VCV000138803.49), dbSNP rs144843013, ClinGen allele CA232567.